The following is an entry in ClinVar:

ClinVar aggregate classification (germline): Uncertain significance (1 of 4 stars; one submission).

gnomAD v4.1: 1 of 1,614,102 alleles (0.000062%); highest among the groups gnomAD compares: Non-Finnish European, 0.000085%; no homozygotes.

Submission:

Ambry Genetics
Classification: Uncertain significance. Last evaluated: 2024-12-20. Review status: criteria provided, single submitter. Criteria: Ambry Variant Classification Scheme 2023. Collection method: clinical testing. Allele origin: germline.
Comment: The p.S174F variant (also known as c.521C>T), located in coding exon 1 of the CDK12 gene, results from a C to T substitution at nucleotide position 521. The serine at codon 174 is replaced by phenylalanine, an amino acid with highly dissimilar properties. This amino acid position is conserved. In addition, this alteration is predicted to be tolerated by in silico analysis. Based on the available evidence, the clinical significance of this variant remains unclear.

NM_016507.4(CDK12):c.521C>T (p.Ser174Phe)

Genes: CDK12 (cyclin dependent kinase 12; plus strand), LOC126862553 (CDK7 strongly-dependent group 2 enhancer GRCh37_chr17:37618166-37619365; plus strand). Cytogenetic location: 17q12.
Variant type: single nucleotide variant.
Coding change: c.521C>T on transcript NM_016507.4 (MANE Select); coding-DNA position 521, C replaced by T.
Protein change: p.Ser174Phe; replaces serine 174 with phenylalanine.
Molecular consequence: missense variant.
Genome position (GRCh38, 1-based): chr17:39,462,592, C>T. VCF-style: chr17-39462592-C-T. GRCh37 (hg19) VCF-style: chr17-37618845-C-T.
Other names: c.521C>T, p.Ser174Phe (NM_015083.4); short protein forms S174F.
Identifiers: ClinVar variation 3830387 (VCV003830387.1).